The following is an entry in ClinVar:

NM_006231.4(POLE):c.1663G>A (p.Asp555Asn)

Gene: POLE (DNA polymerase epsilon, catalytic subunit; minus strand). Cytogenetic location: 12q24.33.
Variant type: single nucleotide variant.
Coding change: c.1663G>A on transcript NM_006231.4 (MANE Select); coding-DNA position 1663, G replaced by A.
Protein change: p.Asp555Asn; replaces aspartic acid 555 with asparagine.
Molecular consequence: missense variant.
Genome position (GRCh38, 1-based): chr12:132,672,650, C>T on the plus strand (G>A on the coding strand, the complement: POLE is on the minus strand). VCF-style: chr12-132672650-C-T. GRCh37 (hg19) VCF-style: chr12-133249236-C-T.
Other names: short protein forms D555N.
Identifiers: ClinVar variation 473477 (VCV000473477.8), dbSNP rs778763440, ClinGen allele CA6893890.

ClinVar aggregate classification (germline): Uncertain significance. Review status: criteria provided, multiple submitters, no conflicts (2 of 4 stars). 3 submissions from 3 submitters: Uncertain significance (3). Last evaluated 2026-06-30.

Conditions:
Hereditary cancer-predisposing syndrome. Also called: Neoplastic Syndromes, Hereditary; Hereditary neoplastic syndrome; Hereditary Cancer Syndrome; Tumor predisposition. Identifiers: Orphanet 140162, MedGen C0027672, MeSH D009386, MONDO:0015356.

Allele frequency attached by ClinVar (database versions not stated): ExAC 0.00001; gnomAD exomes 0.00001.
gnomAD v4.1: 9 of 1,614,106 alleles (0.00056%); highest among the groups gnomAD compares: East Asian, 0.0067%; no homozygotes.

Submissions (3):

Ambry Genetics
Classification: Uncertain significance for Hereditary cancer-predisposing syndrome. Last evaluated: 2026-06-30. Review status: criteria provided, single submitter. Criteria: Ambry Variant Classification Scheme 2023. Collection method: clinical testing. Allele origin: germline.
Comment: The p.D555N variant (also known as c.1663G>A), located in coding exon 15 of the POLE gene, results from a G to A substitution at nucleotide position 1663. The aspartic acid at codon 555 is replaced by asparagine, an amino acid with highly similar properties. This amino acid position is highly conserved in available vertebrate species. In addition, this alteration is predicted to be tolerated by in silico analysis. Based on the available evidence, the clinical significance of this variant remains unclear.

Labcorp Genetics (formerly Invitae), Labcorp
Classification: Uncertain significance. Last evaluated: 2024-10-22. Review status: criteria provided, single submitter. Criteria: Invitae Variant Classification Sherloc (09022015). Collection method: clinical testing. Allele origin: germline.
Comment: This sequence change replaces aspartic acid, which is acidic and polar, with asparagine, which is neutral and polar, at codon 555 of the POLE protein (p.Asp555Asn). This variant is present in population databases (rs778763440, gnomAD 0.01%). This variant has not been reported in the literature in individuals affected with POLE-related conditions. ClinVar contains an entry for this variant (Variation ID: 473477). Invitae Evidence Modeling of protein sequence and biophysical properties (such as structural, functional, and spatial information, amino acid conservation, physicochemical variation, residue mobility, and thermodynamic stability) indicates that this missense variant is not expected to disrupt POLE protein function with a negative predictive value of 80%. In summary, the available evidence is currently insufficient to determine the role of this variant in disease. Therefore, it has been classified as a Variant of Uncertain Significance.

GeneDx
Classification: Uncertain significance. Last evaluated: 2022-10-14. Review status: criteria provided, single submitter. Criteria: GeneDx Variant Classification Process June 2021. Collection method: clinical testing. Allele origin: germline. Affected: yes.
Comment: Not observed at significant frequency in large population cohorts (gnomAD); In silico analysis supports that this missense variant has a deleterious effect on protein structure/function; Has not been previously published as pathogenic or benign to our knowledge